The following is an entry in ClinVar:

ClinVar aggregate classification (germline): Uncertain significance (1 of 4 stars; one submission).

Conditions:
Hereditary cancer-predisposing syndrome. Also called: Hereditary Cancer Syndrome; Hereditary neoplastic syndrome; Neoplastic Syndromes, Hereditary; Tumor predisposition. Identifiers: Orphanet 140162, MedGen C0027672, MeSH D009386, MONDO:0015356.

Submission:

Ambry Genetics
Classification: Uncertain significance for Hereditary cancer-predisposing syndrome. Last evaluated: 2023-04-23. Review status: criteria provided, single submitter. Criteria: Ambry Variant Classification Scheme 2023. Collection method: clinical testing. Allele origin: germline.
Comment: The p.P490L variant (also known as c.1469C>T), located in coding exon 6 of the BLM gene, results from a C to T substitution at nucleotide position 1469. The proline at codon 490 is replaced by leucine, an amino acid with similar properties. This amino acid position is not well conserved in available vertebrate species. In addition, this alteration is predicted to be tolerated by in silico analysis. Since supporting evidence is limited at this time, the clinical significance of this alteration remains unclear.

NM_000057.4(BLM):c.1469C>T (p.Pro490Leu)

Gene: BLM (BLM RecQ like helicase; plus strand). Cytogenetic location: 15q26.1.
Variant type: single nucleotide variant.
Coding change: c.1469C>T on transcript NM_000057.4 (MANE Select); coding-DNA position 1469, C replaced by T.
Protein change: p.Pro490Leu; replaces proline 490 with leucine.
Molecular consequence: missense variant.
Genome position (GRCh38, 1-based): chr15:90,760,842, C>T. VCF-style: chr15-90760842-C-T. GRCh37 (hg19) VCF-style: chr15-91304072-C-T.
Other names: c.1469C>T, p.Pro490Leu (NM_001287246.2, NM_001287247.2); c.344C>T, p.Pro115Leu (NM_001287248.2); short protein forms P490L, P115L.
Identifiers: ClinVar variation 1773310 (VCV001773310.3), dbSNP rs878853553, ClinGen allele CA393843126.